The following is an entry in ClinVar:

NM_004446.3(EPRS1):c.2229T>G (p.Asn743Lys)

Gene: EPRS1 (glutamyl-prolyl-tRNA synthetase 1; minus strand). Cytogenetic location: 1q41.
Variant type: single nucleotide variant.
Coding change: c.2229T>G on transcript NM_004446.3 (MANE Select); coding-DNA position 2229, T replaced by G.
Protein change: p.Asn743Lys; replaces asparagine 743 with lysine.
Molecular consequence: missense variant.
Genome position (GRCh38, 1-based): chr1:219,997,295, A>C on the plus strand (T>G on the coding strand, the complement: EPRS1 is on the minus strand). VCF-style: chr1-219997295-A-C. GRCh37 (hg19) VCF-style: chr1-220170637-A-C.
Other names: short protein forms N743K.
Identifiers: ClinVar variation 1680957 (VCV001680957.8), dbSNP rs1220025497, ClinGen allele CA344647872.

ClinVar aggregate classification (germline): Uncertain significance (1 of 4 stars; one submission).

Allele frequency attached by ClinVar (database versions not stated): gnomAD exomes below 0.00001.
gnomAD v4.1: 1 of 1,612,626 alleles (0.000062%); highest among the groups gnomAD compares: Admixed American, 0.0017%; no homozygotes.

Submission:

Labcorp Genetics (formerly Invitae), Labcorp
Classification: Uncertain significance. Last evaluated: 2022-08-23. Review status: criteria provided, single submitter. Criteria: Invitae Variant Classification Sherloc (09022015). Collection method: clinical testing. Allele origin: germline.
Comment: This sequence change replaces asparagine, which is neutral and polar, with lysine, which is basic and polar, at codon 743 of the EPRS protein (p.Asn743Lys). This variant is present in population databases (no rsID available, gnomAD 0.003%). This variant has not been reported in the literature in individuals affected with EPRS-related conditions. ClinVar contains an entry for this variant (Variation ID: 1680957). Algorithms developed to predict the effect of missense changes on protein structure and function (SIFT, PolyPhen-2, Align-GVGD) all suggest that this variant is likely to be tolerated. Algorithms developed to predict the effect of sequence changes on RNA splicing suggest that this variant may create or strengthen a splice site. In summary, the available evidence is currently insufficient to determine the role of this variant in disease. Therefore, it has been classified as a Variant of Uncertain Significance.